The following is an entry in ClinVar:

NM_015122.3(FCHO1):c.976A>T (p.Thr326Ser)

Gene: FCHO1 (FCH and mu domain containing endocytic adaptor 1; plus strand). Cytogenetic location: 19p13.11.
Variant type: single nucleotide variant.
Coding change: c.976A>T on transcript NM_015122.3 (MANE Select); coding-DNA position 976, A replaced by T.
Protein change: p.Thr326Ser; replaces threonine 326 with serine.
Molecular consequence: missense variant. On other transcripts: non-coding transcript variant (36).
Genome position (GRCh38, 1-based): chr19:17,775,486, A>T. VCF-style: chr19-17775486-A-T. GRCh37 (hg19) VCF-style: chr19-17886295-A-T.
Other names: c.976A>T, p.Thr326Ser (NM_001161357.2, NM_001161358.2, NM_001384370.1 and 25 more transcripts); c.826A>T, p.Thr276Ser (NM_001161359.2, NM_001384384.1, NM_001384385.1 and 3 more transcripts); c.937A>T, p.Thr313Ser (NM_001384388.1, NM_001384389.1, NM_001384405.1); c.901A>T, p.Thr301Ser (NM_001384390.1); c.976A>T (NM_001161357.1); c.931A>T, p.Thr311Ser (NM_001384403.1); short protein forms T276S, T301S, T311S, T313S, T326S.
Identifiers: ClinVar variation 1126559 (VCV001126559.13), dbSNP rs189833366, ClinGen allele CA9300335.

ClinVar aggregate classification (germline): Benign/Likely benign. Review status: criteria provided, multiple submitters, no conflicts (2 of 4 stars). 5 submissions from 5 submitters: Benign (1); Likely benign (4). Last evaluated 2026-02-10.

Conditions:
FCHO1-related disorder. Also called: FCHO1-related condition.

Allele frequency attached by ClinVar (database versions not stated): gnomAD exomes 0.00009 and 0.00032; ESP Exome Variant Server 0.00023; gnomAD 0.00023 and 0.00024; TOPMed 0.00026; ExAC 0.00036; 1000 Genomes Project 0.00080; 1000 Genomes Project 30x 0.00094.
gnomAD v4.1: 243 of 1,613,942 alleles (0.015%); highest among the groups gnomAD compares: East Asian, 0.3%; 2 homozygotes.

Submissions (5):

Women's Health and Genetics/Laboratory Corporation of America, LabCorp
Classification: Benign. Last evaluated: 2026-02-10. Review status: criteria provided, single submitter. Criteria: LabCorp Variant Classification Summary - May 2015. Collection method: clinical testing. Allele origin: germline.
Comment: Variant summary: FCHO1 c.976A>T (p.Thr326Ser) results in a conservative amino acid change in the encoded protein sequence. Algorithms developed to predict the effect of missense changes on protein structure and function all suggest that this variant is likely to be tolerated. The variant allele was found at a frequency of 0.00015 in 1606968 control chromosomes, including 2 homozygotes. The observed variant frequency within the East Asian subpopulation exceeds the estimated maximal expected allele frequency for disease-causing variants in FCHO1. To our knowledge, no occurrence of c.976A>T in individuals affected with FCHO1-related conditions and no experimental evidence demonstrating its impact on protein function have been reported. ClinVar contains an entry for this variant (Variation ID: 1126559). Based on the evidence outlined above, the variant was classified as benign.

Labcorp Genetics (formerly Invitae), Labcorp
Classification: Likely benign. Last evaluated: 2026-01-14. Review status: criteria provided, single submitter. Criteria: Invitae Variant Classification Sherloc (09022015). Collection method: clinical testing. Allele origin: germline.

PreventionGenetics, part of Exact Sciences
Classification: Likely benign for FCHO1-related condition. Last evaluated: 2025-12-19. Review status: criteria provided, single submitter. Criteria: ACMG Guidelines, 2015. Collection method: clinical testing. Allele origin: germline.
Comment: This variant is classified as likely benign based on ACMG/AMP sequence variant interpretation guidelines (Richards et al. 2015 PMID: 25741868, with internal and published modifications).

Blueprint Genetics
Classification: Likely benign. Last evaluated: 2024-10-22. Review status: criteria provided, single submitter. Criteria: ACMG Guidelines, 2015. Collection method: clinical testing. Allele origin: germline.

Breakthrough Genomics
Classification: Likely benign. Review status: criteria provided, single submitter. Criteria: ACMG Guidelines, 2015. Collection method: not provided. Allele origin: germline. Inheritance: Autosomal recessive inheritance. Affected: yes.